The following is an entry in ClinVar:

ClinVar aggregate classification (germline): Pathogenic/Likely pathogenic. Review status: criteria provided, multiple submitters, no conflicts (2 of 4 stars). 4 submissions from 4 submitters: Pathogenic (2); Likely pathogenic (1). 1 of the submissions does not count toward it. Last evaluated 2025-09-09.

Conditions:
PRPF8-related disorder. Also called: PRPF8-related condition.
Retinitis pigmentosa 13 (RP13). Also called: PRPF 8-Related Retinitis Pigmentosa. Identifiers: Orphanet 791, MedGen C1838702, MONDO:0010806, OMIM 600059.
Retinal disorder. Also called: Retinopathies; Retinal Diseases; Retinal disorders; Retinopathy. Identifiers: MedGen C0035309, MONDO:0005283, HP:0000488.

Submissions (4):

Genetics Laboratory, Great Ormond Street Hospital NHS Foundation Trust, North Thames Genomic Laboratory Hub
Classification: Pathogenic for Retinal disorders. Last evaluated: 2025-09-09. Review status: criteria provided, single submitter. Criteria: ACGS Best Practice Guidelines for Variant Classification in Rare Disease 2024 v1.2. Collection method: clinical testing. Allele origin: germline. Affected: yes.
Comment: PS4_supporting, PM2_moderate, PP3_supporting, PS3_strong, PP1_moderate

Fulgent Genetics
Classification: Likely pathogenic for Retinitis pigmentosa 13. Last evaluated: 2022-04-25. Review status: criteria provided, single submitter. Criteria: ACMG Guidelines, 2015. Collection method: clinical testing. Allele origin: unknown.

Blueprint Genetics
Classification: Pathogenic for PRPF8-related disorders. Last evaluated: 2018-10-25. Review status: criteria provided, single submitter. Criteria: ACMG Guidelines, 2015. Collection method: clinical testing. Allele origin: germline. Affected: yes. Observed: 2 variant alleles.

OMIM
Classification: Pathogenic for RETINITIS PIGMENTOSA 13. Last evaluated: 2010-05-01. Review status: no assertion criteria provided. Collection method: literature only. Allele origin: germline. Not counted in ClinVar's aggregate classification.

Literature cited by the submitters: PubMed 11468273 (cited by OMIM); PubMed 20232351 (cited by OMIM).

NM_006445.4(PRPF8):c.6926A>C (p.His2309Pro)

Gene: PRPF8 (pre-mRNA processing factor 8; minus strand). Cytogenetic location: 17p13.3.
Variant type: single nucleotide variant.
Coding change: c.6926A>C on transcript NM_006445.4 (MANE Select); coding-DNA position 6926, A replaced by C.
Protein change: p.His2309Pro; replaces histidine 2309 with proline.
Molecular consequence: missense variant.
Genome position (GRCh38, 1-based): chr17:1,650,884, T>G on the plus strand (A>C on the coding strand, the complement: PRPF8 is on the minus strand). VCF-style: chr17-1650884-T-G. GRCh37 (hg19) VCF-style: chr17-1554178-T-G.
Other names: short protein forms H2309P.
Identifiers: ClinVar variation 3356 (VCV000003356.5), dbSNP rs121434236, ClinGen allele CA252741.